The following is an entry in ClinVar:

ClinVar aggregate classification (germline): Uncertain significance. Review status: criteria provided, multiple submitters, no conflicts (2 of 4 stars). 2 submissions from 2 submitters: Uncertain significance (2). Last evaluated 2024-06-18.

Allele frequency attached by ClinVar (database versions not stated): gnomAD exomes below 0.00001; ExAC 0.00001.
gnomAD v4.1: 1 of 1,613,986 alleles (0.000062%); highest among the groups gnomAD compares: Non-Finnish European, 0.000085%; no homozygotes.

Submissions (2):

Ambry Genetics
Classification: Uncertain significance. Last evaluated: 2024-06-18. Review status: criteria provided, single submitter. Criteria: Ambry Variant Classification Scheme 2023. Collection method: clinical testing. Allele origin: germline.

Labcorp Genetics (formerly Invitae), Labcorp
Classification: Uncertain significance. Last evaluated: 2022-07-05. Review status: criteria provided, single submitter. Criteria: Invitae Variant Classification Sherloc (09022015). Collection method: clinical testing. Allele origin: germline.
Comment: In summary, the available evidence is currently insufficient to determine the role of this variant in disease. Therefore, it has been classified as a Variant of Uncertain Significance. Algorithms developed to predict the effect of missense changes on protein structure and function are either unavailable or do not agree on the potential impact of this missense change (SIFT: "Deleterious"; PolyPhen-2: "Probably Damaging"; Align-GVGD: "Class C0"). This variant has not been reported in the literature in individuals affected with KANK1-related conditions. This variant is not present in population databases (gnomAD no frequency). This sequence change replaces methionine, which is neutral and non-polar, with threonine, which is neutral and polar, at codon 267 of the KANK1 protein (p.Met267Thr).

NM_015158.5(KANK1):c.800T>C (p.Met267Thr)

Gene: KANK1 (KN motif and ankyrin repeat domains 1; plus strand). Cytogenetic location: 9p24.3.
Variant type: single nucleotide variant.
Coding change: c.800T>C on transcript NM_015158.5 (MANE Select); coding-DNA position 800, T replaced by C.
Protein change: p.Met267Thr; replaces methionine 267 with threonine.
Molecular consequence: missense variant. On other transcripts: non-coding transcript variant (1).
Genome position (GRCh38, 1-based): chr9:711,566, T>C. VCF-style: chr9-711566-T-C. GRCh37 (hg19) VCF-style: chr9-711566-T-C.
Other names: c.800T>C, p.Met267Thr (NM_001256876.3, NM_001256877.3, NM_001354331.2 and 2 more transcripts); c.326T>C, p.Met109Thr (NM_001354333.2, NM_001354335.2, NM_001354336.2 and 9 more transcripts); c.800T>C (NM_015158.2); short protein forms M109T, M267T.
Identifiers: ClinVar variation 1927611 (VCV001927611.6), dbSNP rs749379264, ClinGen allele CA4960050.